The following is an entry in ClinVar:

NM_138773.4(SLC25A46):c.620+1G>A

Gene: SLC25A46 (solute carrier family 25 member 46; plus strand). Cytogenetic location: 5q22.1.
Variant type: single nucleotide variant.
Coding change: c.620+1G>A on transcript NM_138773.4 (MANE Select); the canonical splice donor site of the intron after coding-DNA position 620, G replaced by A.
Molecular consequence: splice donor variant.
Genome position (GRCh38, 1-based): chr5:110,755,522, G>A. VCF-style: chr5-110755522-G-A. GRCh37 (hg19) VCF-style: chr5-110091222-G-A.
Other names: c.620+1G>A (NM_138773.3, NM_001303249.3); c.347+1G>A (NM_001303250.3).
Identifiers: ClinVar variation 3018331 (VCV003018331.4), dbSNP rs1171977270, ClinGen allele CA360695685.
Genomic context (GRCh38, chr5:110,755,522, plus strand): 5'-TAGGGAGGTTTTACATAAATGGAGTCCTAAACAAATAGGAGAACACCTTCTACTGAAATC[G>A]TAAGTATCAAAAAATGGCATTTTTATTGGGCATTTTCACTAATTTTTATAGTATTAGAAC-3'

ClinVar aggregate classification (germline): Pathogenic/Likely pathogenic. Review status: criteria provided, multiple submitters, no conflicts (2 of 4 stars). 2 submissions from 2 submitters: Pathogenic (1); Likely pathogenic (1). Last evaluated 2023-11-13.

Conditions:
Pontocerebellar hypoplasia, type 1E. Identifiers: MedGen C5543328, MONDO:0030260, OMIM 619303.
Neuropathy, hereditary motor and sensory, type 6B (HMSN6B). Also called: NEUROPATHY, HEREDITARY MOTOR AND SENSORY, TYPE VIB, WITH OPTIC ATROPHY; CHARCOT-MARIE-TOOTH DISEASE, TYPE 6B; Neuropathy, hereditary motor and sensory, type VIB; HMSN VIB. Identifiers: MedGen C4225302, MONDO:0014671, OMIM 616505.

Allele frequency attached by ClinVar (database versions not stated): gnomAD 0.00001.
gnomAD v4.1: 10 of 1,566,858 alleles (0.00064%); highest among the groups gnomAD compares: Non-Finnish European, 0.00087%; no homozygotes.

Submissions (2):

Labcorp Genetics (formerly Invitae), Labcorp
Classification: Likely pathogenic for Neuropathy, hereditary motor and sensory, type 6B. Last evaluated: 2023-11-13. Review status: criteria provided, single submitter. Criteria: Invitae Variant Classification Sherloc (09022015). Collection method: clinical testing. Allele origin: germline.
Comment: This sequence change affects a donor splice site in intron 6 of the SLC25A46 gene. It is expected to disrupt RNA splicing. Variants that disrupt the donor or acceptor splice site typically lead to a loss of protein function (PMID: 16199547), and loss-of-function variants in SLC25A46 are known to be pathogenic (PMID: 26168012, 26951855, 27543974). This variant is not present in population databases (gnomAD no frequency). This variant has not been reported in the literature in individuals affected with SLC25A46-related conditions. Algorithms developed to predict the effect of sequence changes on RNA splicing suggest that this variant may disrupt the consensus splice site. In summary, the currently available evidence indicates that the variant is pathogenic, but additional data are needed to prove that conclusively. Therefore, this variant has been classified as Likely Pathogenic.

Clinical Genetics Service, Universitary Hospital 12 de Octubre
Classification: Pathogenic for Pontocerebellar hypoplasia, type 1E. Review status: criteria provided, single submitter. Criteria: ACMG Guidelines, 2015. Collection method: clinical testing. Allele origin: germline. Affected: yes.

Literature cited by the submitters: PubMed 16199547 (cited by Labcorp Genetics (formerly Invitae), Labcorp); PubMed 26168012 (cited by Labcorp Genetics (formerly Invitae), Labcorp); PubMed 26951855 (cited by Labcorp Genetics (formerly Invitae), Labcorp); PubMed 27543974 (cited by Labcorp Genetics (formerly Invitae), Labcorp).